The following is an entry in ClinVar:

NM_000158.4(GBE1):c.1237-15C>T

Gene: GBE1 (1,4-alpha-glucan branching enzyme 1; minus strand). Cytogenetic location: 3p12.2.
Variant type: single nucleotide variant.
Coding change: c.1237-15C>T on transcript NM_000158.4 (MANE Select); 15 bases into the intron before coding-DNA position 1237, C replaced by T.
Molecular consequence: intron variant.
Genome position (GRCh38, 1-based): chr3:81,586,205, G>A on the plus strand (C>T on the coding strand, the complement: GBE1 is on the minus strand). VCF-style: chr3-81586205-G-A. GRCh37 (hg19) VCF-style: chr3-81635356-G-A.
Other names: p.?.
Identifiers: ClinVar variation 346791 (VCV000346791.13), dbSNP rs376809475, ClinGen allele CA2499733.

ClinVar aggregate classification (germline): Conflicting classifications of pathogenicity. Review status: criteria provided, conflicting classifications (1 of 4 stars). 5 submissions from 4 submitters: Uncertain significance (2); Likely benign (3). Last evaluated 2026-01-28.

Conditions:
Glycogen storage disease, type IV (GSD4). Also called: CIRRHOSIS, FAMILIAL, WITH DEPOSITION OF ABNORMAL GLYCOGEN; GBE1 DEFICIENCY; GLYCOGEN BRANCHING ENZYME DEFICIENCY; GLYCOGENOSIS IV; GSD IV; AMYLOPECTINOSIS. Identifiers: Orphanet 367, MedGen C0017923, MONDO:0009292, OMIM 232500.
Glycogen storage disease IV, classic hepatic. Also called: GSD IV, CLASSIC HEPATIC. Identifiers: MedGen C1856301.
Adult polyglucosan body disease (APBN). Also called: POLYGLUCOSAN BODY DISEASE, ADULT FORM; GBE1-Adult Polyglucosan Body Disease. Identifiers: Orphanet 206583, MedGen C1849722, MONDO:0009897, OMIM 263570.

Allele frequency attached by ClinVar (database versions not stated): gnomAD exomes 0.00012 and 0.00021; ExAC 0.00018; 1000 Genomes Project 0.00020; gnomAD 0.00035 and 0.00039; TOPMed 0.00040; 1000 Genomes Project 30x 0.00047; ESP Exome Variant Server 0.00051.
gnomAD v4.1: 224 of 1,515,688 alleles (0.015%); highest among the groups gnomAD compares: African/African-American, 0.096%; no homozygotes.

Submissions (5):

Labcorp Genetics (formerly Invitae), Labcorp
Classification: Likely benign for Glycogen storage disease, type IV; Glycogen storage disease IV, classic hepatic. Last evaluated: 2026-01-28. Review status: criteria provided, single submitter. Criteria: Invitae Variant Classification Sherloc (09022015). Collection method: clinical testing. Allele origin: germline.

Mayo Clinic Laboratories, Mayo Clinic
Classification: Likely benign. Last evaluated: 2025-09-03. Review status: criteria provided, single submitter. Criteria: ACMG Guidelines, 2015. Collection method: clinical testing. Allele origin: germline. Observed: 1 variant allele.
Comment: BP4, BP7, PM2_supporting

Illumina Laboratory Services, Illumina
Classification: Uncertain significance for Adult polyglucosan body disease. Last evaluated: 2018-01-13. Review status: criteria provided, single submitter. Criteria: ICSL Variant Classification Criteria 13 December 2019. Collection method: clinical testing. Allele origin: germline.

Illumina Laboratory Services, Illumina
Classification: Uncertain significance for Glycogen storage disease, type IV. Last evaluated: 2018-01-13. Review status: criteria provided, single submitter. Criteria: ICSL Variant Classification Criteria 13 December 2019. Collection method: clinical testing. Allele origin: germline.

GeneDx
Classification: Likely benign. Last evaluated: 2017-07-07. Review status: criteria provided, single submitter. Criteria: GeneDx Variant Classification (06012015). Collection method: clinical testing. Allele origin: germline. Affected: yes.
Comment: This variant is considered likely benign or benign based on one or more of the following criteria: it is a conservative change, it occurs at a poorly conserved position in the protein, it is predicted to be benign by multiple in silico algorithms, and/or has population frequency not consistent with disease.